The following is an entry in ClinVar:

ClinVar aggregate classification (germline): Pathogenic/Likely pathogenic. Review status: criteria provided, multiple submitters, no conflicts (2 of 4 stars). 6 submissions from 6 submitters: Pathogenic (4); Likely pathogenic (2). Last evaluated 2026-05-06.

Conditions:
Cholestanol storage disease (CTX). Also called: Cerebrotendinous Xanthomatosis; CEREBRAL CHOLESTERINOSIS; CTX: Cerebrotendinous xanthomatosis. Identifiers: Orphanet 909, MedGen C0238052, MONDO:0008948, OMIM 213700.

gnomAD v4.1: 1 of 1,613,768 alleles (0.000062%); highest among the groups gnomAD compares: Middle Eastern, 0.016%; no homozygotes.

Submissions (6):

Department of Molecular Genetics, Istishari Arab Hospital
Classification: Pathogenic for Cholestanol storage disease. Last evaluated: 2026-05-06. Review status: criteria provided, single submitter. Criteria: ACMG Guidelines, 2015. Collection method: clinical testing. Allele origin: germline. Inheritance: Autosomal recessive inheritance. Affected: yes.
Comment: The CYP27A1 variant c.1476+2T>C is predicted to disrupt the highly conserved canonical donor splice-site. This variant is observed with very low frequency in the gnomAD v4.1.0 dataset (<0.001). This variant was previously reported in patients with Cerebrotendinous xanthomatosis as either homozygous or compound heterozygous with a second variant (PMID: 38772327, 23115103). It is classified as pathogenic based on ACMG/AMP/ClinGen SVI guidelines.

Natera, Inc.
Classification: Likely pathogenic for Cerebrotendinous xanthomatosis. Last evaluated: 2025-12-30. Review status: criteria provided, single submitter. Criteria: Natera Variant Classification Schema (03/2026). Collection method: clinical testing. Allele origin: germline.
Comment: The c.1476+2T>C variant in CYP27A1 is a canonical splice donor site variant predicted to affect pre-mRNA splicing, which may result in an abnormal transcript and altered protein product. This variant is expected to result in nonsense mediated decay, truncation, or a dysfunctional protein product. This variant is rare in the general population with a frequency below the threshold expected for the associated phenotype(s). This variant has been observed in one or more individuals affected with the associated recessive disease, as either homozygous or compound heterozygous with a second variant (PMID: 38772327, 23115103). Additionally, this variant has been observed to segregate in affected family members (PMID: 23115103). Given the available evidence, this variant is classified as Likely Pathogenic.

Labcorp Genetics (formerly Invitae), Labcorp
Classification: Pathogenic for Cholestanol storage disease. Last evaluated: 2025-12-03. Review status: criteria provided, single submitter. Criteria: Invitae Variant Classification Sherloc (09022015). Collection method: clinical testing. Allele origin: germline.
Comment: This sequence change affects a donor splice site in intron 8 of the CYP27A1 gene. While this variant is not anticipated to result in nonsense mediated decay, it likely alters RNA splicing and results in a disrupted protein product. This variant is not present in population databases (gnomAD no frequency). Disruption of this splice site has been observed in individual(s) with clinical features of CYP27A1-related conditions (PMID: 27084087). ClinVar contains an entry for this variant (Variation ID: 1176421). Variants that disrupt the consensus splice site are a relatively common cause of aberrant splicing (PMID: 17576681, 9536098). Algorithms developed to predict the effect of sequence changes on RNA splicing suggest that this variant may disrupt the consensus splice site. This variant disrupts a region of the CYP27A1 protein in which other variant(s) (p.Arg513Cys) have been determined to be pathogenic (PMID: 28623566, 31743419, 32714376, 34012265). This suggests that this is a clinically significant region of the protein, and that variants that disrupt it are likely to be disease-causing. For these reasons, this variant has been classified as Pathogenic.

Fulgent Genetics
Classification: Likely pathogenic for Cholestanol storage disease. Last evaluated: 2024-01-20. Review status: criteria provided, single submitter. Criteria: ACMG Guidelines, 2015. Collection method: clinical testing. Allele origin: germline.

Baylor Genetics
Classification: Pathogenic for Cholestanol storage disease. Last evaluated: 2023-02-01. Review status: criteria provided, single submitter. Criteria: ACMG Guidelines, 2015. Collection method: clinical testing. Allele origin: unknown.

CeGaT Center for Human Genetics Tuebingen
Classification: Pathogenic. Last evaluated: 2021-08-01. Review status: criteria provided, single submitter. Criteria: CeGaT Center For Human Genetics Tuebingen Variant Classification Criteria Version 2. Collection method: clinical testing. Allele origin: germline. Affected: yes. Observed: 5 variant alleles.

Literature cited by the submitters: PubMed 38772327 (cited by Department of Molecular Genetics, Istishari Arab Hospital and Natera, Inc.); PubMed 23115103 (cited by Department of Molecular Genetics, Istishari Arab Hospital and Natera, Inc.); PubMed 27084087 (cited by Labcorp Genetics (formerly Invitae), Labcorp); PubMed 17576681 (cited by Labcorp Genetics (formerly Invitae), Labcorp); PubMed 9536098 (cited by Labcorp Genetics (formerly Invitae), Labcorp); PubMed 28623566 (cited by Labcorp Genetics (formerly Invitae), Labcorp); PubMed 31743419 (cited by Labcorp Genetics (formerly Invitae), Labcorp); PubMed 32714376 (cited by Labcorp Genetics (formerly Invitae), Labcorp); PubMed 34012265 (cited by Labcorp Genetics (formerly Invitae), Labcorp).

NM_000784.4(CYP27A1):c.1476+2T>C

Gene: CYP27A1 (cytochrome P450 family 27 subfamily A member 1; plus strand). Cytogenetic location: 2q35.
Variant type: single nucleotide variant.
Coding change: c.1476+2T>C on transcript NM_000784.4 (MANE Select); the canonical splice donor site of the intron after coding-DNA position 1476, T replaced by C.
Molecular consequence: splice donor variant.
Genome position (GRCh38, 1-based): chr2:218,814,759, T>C. VCF-style: chr2-218814759-T-C. GRCh37 (hg19) VCF-style: chr2-219679482-T-C.
Other names: c.1476+2T>C (NM_000784.3).
Identifiers: ClinVar variation 1176421 (VCV001176421.41), dbSNP rs1165952837, ClinGen allele CA350595700.